The following is an entry in ClinVar:

ClinVar aggregate classification (germline): Uncertain significance (1 of 4 stars; one submission).

Allele frequency attached by ClinVar (database versions not stated): 1000 Genomes Project 30x 0.00016; 1000 Genomes Project 0.00020.
gnomAD v4.1: 10 of 1,592,464 alleles (0.00063%); highest among the groups gnomAD compares: East Asian, 0.021%; no homozygotes.

Submission:

GeneDx
Classification: Uncertain significance. Last evaluated: 2019-10-30. Review status: criteria provided, single submitter. Criteria: GeneDx Variant Classification Process June 2021. Collection method: clinical testing. Allele origin: germline. Affected: yes.
Comment: In silico analysis, which includes protein predictors and evolutionary conservation, supports that this variant does not alter protein structure/function; Has not been previously published as pathogenic or benign to our knowledge

NM_001189.4(NKX3-2):c.316C>A (p.Arg106Ser)

Gene: NKX3-2 (NK3 homeobox 2; minus strand). Cytogenetic location: 4p15.33.
Variant type: single nucleotide variant.
Coding change: c.316C>A on transcript NM_001189.4 (MANE Select); coding-DNA position 316, C replaced by A.
Protein change: p.Arg106Ser; replaces arginine 106 with serine.
Molecular consequence: missense variant.
Genome position (GRCh38, 1-based): chr4:13,544,099, G>T on the plus strand (C>A on the coding strand, the complement: NKX3-2 is on the minus strand). VCF-style: chr4-13544099-G-T. GRCh37 (hg19) VCF-style: chr4-13545723-G-T.
Other names: short protein forms R106S.
Identifiers: ClinVar variation 1309276 (VCV001309276.2), dbSNP rs528913823, ClinGen allele CA2860426.